The following is an entry in ClinVar:

NM_014956.5(CEP164):c.4099G>A (p.Gly1367Ser)

Gene: CEP164 (centrosomal protein 164; plus strand). Cytogenetic location: 11q23.3.
Variant type: single nucleotide variant.
Coding change: c.4099G>A on transcript NM_014956.5 (MANE Select); coding-DNA position 4099, G replaced by A.
Protein change: p.Gly1367Ser; replaces glycine 1367 with serine.
Molecular consequence: missense variant.
Genome position (GRCh38, 1-based): chr11:117,410,830, G>A. VCF-style: chr11-117410830-G-A. GRCh37 (hg19) VCF-style: chr11-117281546-G-A.
Other names: c.4084G>A, p.Gly1362Ser (NM_001271933.2); short protein forms G1362S, G1367S.
Identifiers: ClinVar variation 2016851 (VCV002016851.4), dbSNP rs2542830320, ClinGen allele CA382745553.

ClinVar aggregate classification (germline): Uncertain significance (1 of 4 stars; one submission).

Conditions:
Nephronophthisis 15 (NPHP15). Identifiers: Orphanet 3156, MedGen C3541853, MONDO:0013917, OMIM 614845.

Submission:

Labcorp Genetics (formerly Invitae), Labcorp
Classification: Uncertain significance for Nephronophthisis 15. Last evaluated: 2022-07-16. Review status: criteria provided, single submitter. Criteria: Invitae Variant Classification Sherloc (09022015). Collection method: clinical testing. Allele origin: germline.
Comment: This sequence change replaces glycine, which is neutral and non-polar, with serine, which is neutral and polar, at codon 1367 of the CEP164 protein (p.Gly1367Ser). This variant is not present in population databases (gnomAD no frequency). This variant has not been reported in the literature in individuals affected with CEP164-related conditions. Algorithms developed to predict the effect of missense changes on protein structure and function (SIFT, PolyPhen-2, Align-GVGD) all suggest that this variant is likely to be disruptive. Algorithms developed to predict the effect of sequence changes on RNA splicing suggest that this variant may create or strengthen a splice site. In summary, the available evidence is currently insufficient to determine the role of this variant in disease. Therefore, it has been classified as a Variant of Uncertain Significance.